The following is an entry in ClinVar:

NM_001256470.2(PLEKHA5):c.2819A>G (p.Tyr940Cys)

Gene: PLEKHA5 (pleckstrin homology domain containing A5; plus strand). Cytogenetic location: 12p12.3.
Variant type: single nucleotide variant.
Coding change: c.2819A>G on transcript NM_001256470.2 (MANE Select); coding-DNA position 2819, A replaced by G.
Protein change: p.Tyr940Cys; replaces tyrosine 940 with cysteine.
Molecular consequence: missense variant. On other transcripts: non-coding transcript variant (2), intron variant (41).
Genome position (GRCh38, 1-based): chr12:19,347,103, A>G. VCF-style: chr12-19347103-A-G. GRCh37 (hg19) VCF-style: chr12-19500037-A-G.
Other names: c.2267A>G, p.Tyr756Cys (NM_001256787.2); c.2801A>G, p.Tyr934Cys (NM_001385923.1); c.2783A>G, p.Tyr928Cys (NM_001385924.1); c.2765A>G, p.Tyr922Cys (NM_001385925.1); c.2819A>G, p.Tyr940Cys (NM_001385926.1); c.2699A>G, p.Tyr900Cys (NM_001385927.1); c.2651A>G, p.Tyr884Cys (NM_001385928.1); c.2510A>G, p.Tyr837Cys (NM_001385932.1); and 31 more; short protein forms Y768C, Y832C, Y747C, Y814C, Y900C, Y934C, Y884C, Y928C.
Identifiers: ClinVar variation 4993743 (VCV004993743.1).

ClinVar aggregate classification (germline): Uncertain significance (1 of 4 stars; one submission).

Conditions:
PLEKHA5-related disorder. Also called: PLEKHA5-related condition.

gnomAD v4.1: 2 of 1,550,918 alleles (0.00013%); highest among the groups gnomAD compares: Non-Finnish European, 0.00017%; no homozygotes.

Submission:

PreventionGenetics, part of Exact Sciences
Classification: Uncertain significance for PLEKHA5-related condition. Last evaluated: 2026-04-12. Review status: criteria provided, single submitter. Criteria: ACMG Guidelines, 2015. Collection method: clinical testing. Allele origin: germline.
Comment: The PLEKHA5 c.2819A>G variant is predicted to result in the amino acid substitution p.Tyr940Cys. To our knowledge, this variant has not been reported in the literature or in a large population database (gnomAD), indicating this variant is rare. At this time, the clinical significance of this variant is uncertain due to the absence of conclusive functional and genetic evidence.